The following is an entry in ClinVar:

NM_020937.4(FANCM):c.1397-1_1407del

Gene: FANCM (FA complementation group M; plus strand). Cytogenetic location: 14q21.2.
Variant type: Deletion.
Coding change: c.1397-1_1407del on transcript NM_020937.4 (MANE Select); the canonical splice acceptor site of the intron before coding-DNA position 1397 through coding-DNA position 1407, 12 bases deleted (GCTGAAAACACT).
Molecular consequence: splice acceptor variant.
Genome position (GRCh38, 1-based): chr14:45,159,095-45,159,106, GCTGAAAACACT deleted. VCF-style (leftmost placement, unchanged base first): chr14-45159094-AGCTGAAAACACT-A. GRCh37 (hg19) VCF-style: chr14-45628297-AGCTGAAAACACT-A.
Other names: c.1397-1_1407del (NM_020937.3, NM_001308134.2); c.1319-1_1329del (NM_001308133.2).
Identifiers: ClinVar variation 2062577 (VCV002062577.5), dbSNP rs2503122151, ClinGen allele CA2580088108.

ClinVar aggregate classification (germline): Likely pathogenic. Review status: criteria provided, multiple submitters, no conflicts (2 of 4 stars). 2 submissions from 2 submitters: Likely pathogenic (2). Last evaluated 2024-09-13.

Conditions:
Fanconi anemia (FA). Also called: Fanconi's anemia. Identifiers: Orphanet 84, MedGen C0015625, MeSH D005199, MONDO:0019391.

Submissions (2):

Quest Diagnostics Nichols Institute San Juan Capistrano
Classification: Likely pathogenic. Last evaluated: 2024-09-13. Review status: criteria provided, single submitter. Criteria: Quest Diagnostics criteria. Collection method: clinical testing. Allele origin: unknown.
Comment: The FANCM c.1397-1_1407del variant disrupts a canonical splice site and interferes with normal FANCM mRNA splicing. This variant has not been reported in individuals with FANCM-related conditions in the published literature. This variant has not been reported in large, multi-ethnic general populations (Genome Aggregation Database). Based on the available information, this variant is classified as likely pathogenic.

Labcorp Genetics (formerly Invitae), Labcorp
Classification: Likely pathogenic for Fanconi anemia. Last evaluated: 2022-01-17. Review status: criteria provided, single submitter. Criteria: Invitae Variant Classification Sherloc (09022015). Collection method: clinical testing. Allele origin: germline.
Comment: This variant has not been reported in the literature in individuals affected with FANCM-related conditions. This variant is not present in population databases (gnomAD no frequency). This variant results in the deletion of part of exon 9 (c.1397-1_1407del) of the FANCM gene. It is expected to disrupt RNA splicing. Variants that disrupt the donor or acceptor splice site typically lead to a loss of protein function (PMID: 16199547), and loss-of-function variants in FANCM are known to be pathogenic (PMID: 29895858, 30075111). In summary, the currently available evidence indicates that the variant is pathogenic, but additional data are needed to prove that conclusively. Therefore, this variant has been classified as Likely Pathogenic. Algorithms developed to predict the effect of sequence changes on RNA splicing suggest that this variant may disrupt the consensus splice site.

Literature cited by the submitters: PubMed 16199547 (cited by Labcorp Genetics (formerly Invitae), Labcorp); PubMed 29895858 (cited by Labcorp Genetics (formerly Invitae), Labcorp); PubMed 30075111 (cited by Labcorp Genetics (formerly Invitae), Labcorp).